The following is an entry in ClinVar:

ClinVar aggregate classification (germline): Uncertain significance (1 of 4 stars; one submission).

Conditions:
Gorlin syndrome. Also called: Nevoid Basal Cell Carcinoma Syndrome; Basal cell nevus syndrome. Identifiers: Orphanet 377, MedGen C0004779, MONDO:0007187.

Submission:

Labcorp Genetics (formerly Invitae), Labcorp
Classification: Uncertain significance for Gorlin syndrome. Last evaluated: 2022-03-23. Review status: criteria provided, single submitter. Criteria: Invitae Variant Classification Sherloc (09022015). Collection method: clinical testing. Allele origin: germline.
Comment: In summary, the available evidence is currently insufficient to determine the role of this variant in disease. Therefore, it has been classified as a Variant of Uncertain Significance. Advanced modeling of protein sequence and biophysical properties (such as structural, functional, and spatial information, amino acid conservation, physicochemical variation, residue mobility, and thermodynamic stability) performed at Invitae indicates that this missense variant is not expected to disrupt PTCH1 protein function. This variant has not been reported in the literature in individuals affected with PTCH1-related conditions. This variant is not present in population databases (gnomAD no frequency). This sequence change replaces proline, which is neutral and non-polar, with serine, which is neutral and polar, at codon 1210 of the PTCH1 protein (p.Pro1210Ser).

NM_000264.5(PTCH1):c.3628C>T (p.Pro1210Ser)

Gene: PTCH1 (patched 1; minus strand). Cytogenetic location: 9q22.32.
Variant type: single nucleotide variant.
Coding change: c.3628C>T on transcript NM_000264.5 (MANE Select); coding-DNA position 3628, C replaced by T.
Protein change: p.Pro1210Ser; replaces proline 1210 with serine.
Molecular consequence: missense variant. On other transcripts: non-coding transcript variant (1).
Genome position (GRCh38, 1-based): chr9:95,449,245, G>A on the plus strand (C>T on the coding strand, the complement: PTCH1 is on the minus strand). VCF-style: chr9-95449245-G-A. GRCh37 (hg19) VCF-style: chr9-98211527-G-A.
Other names: c.3430C>T, p.Pro1144Ser (NM_001083602.3); c.3625C>T, p.Pro1209Ser (NM_001083603.3); c.3175C>T, p.Pro1059Ser (NM_001083604.3, NM_001083605.3, NM_001083606.3 and 1 more transcripts); c.3472C>T, p.Pro1158Ser (NM_001354918.2); short protein forms P1059S, P1209S, P1144S, P1158S, P1210S.
Identifiers: ClinVar variation 2115875 (VCV002115875.4), dbSNP rs2136601072, ClinGen allele CA374111264.
Genomic context (GRCh38, chr9:95,449,245, plus strand): 5'-TCGTCTGGGAACTATACTCCGAGTCGGAGGAATCAGACCCGCTGTGCGTGTGGCCGGGCG[G>A]CATGGCGAAGCGGACCACGCTGGGGGGTGGCTCAGGGGAGGGTGTGGGCAGGCGGTTCAA-3'
Protein context (NP_000255.2, residues 1200-1220): PPPSVVRFAM[Pro1210Ser]PGHTHSGSDS